The following is an entry in ClinVar:

ClinVar aggregate classification (germline): Likely benign. Review status: criteria provided, multiple submitters, no conflicts (2 of 4 stars). 3 submissions from 3 submitters: Likely benign (2). 1 of the submissions does not count toward it. Last evaluated 2026-06-01.

Conditions:
PIGS-related disorder. Also called: PIGS-related condition.

Allele frequency attached by ClinVar (database versions not stated): gnomAD exomes 0.00026; ExAC 0.00090; 1000 Genomes Project 0.00240; 1000 Genomes Project 30x 0.00250; gnomAD 0.00278; TOPMed 0.00294; ESP Exome Variant Server 0.00369.

Submissions (3):

CeGaT Center for Human Genetics Tuebingen
Classification: Likely benign. Last evaluated: 2026-06-01. Review status: criteria provided, single submitter. Criteria: CeGaT Center For Human Genetics Tuebingen Variant Classification Criteria Version 2. Collection method: clinical testing. Allele origin: germline. Affected: yes. Observed: 2 variant alleles.
Comment: PIGS: BP4, BP7

Blueprint Genetics
Classification: Likely benign. Last evaluated: 2024-09-23. Review status: criteria provided, single submitter. Criteria: ACMG Guidelines, 2015. Collection method: clinical testing. Allele origin: germline.

PreventionGenetics, part of Exact Sciences
Classification: Benign for PIGS-related condition. Last evaluated: 2019-12-05. Review status: no assertion criteria provided. Collection method: clinical testing. Allele origin: germline. Not counted in ClinVar's aggregate classification.
Comment: This variant is classified as benign based on ACMG/AMP sequence variant interpretation guidelines (Richards et al. 2015 PMID: 25741868, with internal and published modifications).

NM_033198.4(PIGS):c.435C>T (p.Tyr145=)

Gene: PIGS (phosphatidylinositol glycan anchor biosynthesis class S; minus strand). Cytogenetic location: 17q11.2.
Variant type: single nucleotide variant.
Coding change: c.435C>T on transcript NM_033198.4 (MANE Select); coding-DNA position 435, C replaced by T.
Protein change: p.Tyr145=; no amino-acid change (tyrosine 145 retained).
Molecular consequence: synonymous variant.
Genome position (GRCh38, 1-based): chr17:28,563,464, G>A on the plus strand (C>T on the coding strand, the complement: PIGS is on the minus strand). VCF-style: chr17-28563464-G-A. GRCh37 (hg19) VCF-style: chr17-26890482-G-A.
Identifiers: ClinVar variation 3049081 (VCV003049081.16), dbSNP rs115821050, ClinGen allele CA8460297.